The following is an entry in ClinVar:

NM_000082.4(ERCC8):c.1009dup (p.Val337fs)

Gene: ERCC8 (ERCC excision repair 8, CSA ubiquitin ligase complex subunit; minus strand). Cytogenetic location: 5q12.1.
Variant type: Duplication.
Coding change: c.1009dup on transcript NM_000082.4 (MANE Select); coding-DNA position 1009, one base duplicated (G; older notation c.1009dupG).
Protein change: p.Val337fs; shifts the reading frame from valine 337.
Molecular consequence: frameshift variant.
Genome position (GRCh38, 1-based): chr5:60,890,921, C duplicated on the plus strand (G on the coding strand, the reverse complement: ERCC8 is on the minus strand). VCF-style (leftmost placement, unchanged base first): chr5-60890920-A-AC. GRCh37 (hg19) VCF-style: chr5-60186747-A-AC.
Other names: c.835dup, p.Val279fs (NM_001007233.3); c.550dup, p.Val184fs (NM_001290285.2); short protein forms V184fs, V279fs, V337fs.
Identifiers: ClinVar variation 5011847 (VCV005011847.1).
Genomic context (GRCh38, chr5:60,890,920, plus strand): 5'-AACATTTTAAATTCCTGTATCACTCTTACCTGGAAATTTGACTGAAATACACAGCAGTCA[A>AC]CAGTTTTATAATGTCCCTTAAGCATAGTTATCTGTTCTCCTGAGTAAACTGTATAAACAG-3'

ClinVar aggregate classification (germline): Pathogenic (1 of 4 stars; one submission).

Conditions:
Cockayne syndrome type 1. Also called: Cockayne syndrome type I; Cockayne syndrome classical; Cockayne syndrome classic form. Identifiers: Orphanet 191, Orphanet 90321, MedGen C0751039, MONDO:0019569, OMIM 216400.

Submission:

Myriad Genetics, Inc.
Classification: Pathogenic for Cockayne syndrome type 1. Last evaluated: 2023-09-27. Review status: criteria provided, single submitter. Criteria: Myriad Autosomal Dominant, Autosomal Recessive and X-Linked Classification Criteria (2023). Collection method: clinical testing. Allele origin: unknown.
Comment: NM_000082.3(ERCC8):c.1009dupG(V337Gfs*2) is expected to be pathogenic in the context of ERCC8-related disorders. This variant is predicted to lead to an abnormal or absent protein product due to the creation of a premature termination codon in ERCC8, a gene where loss-of-function variants are known to be pathogenic. Please note: this variant was assessed in the context of healthy population screening.